The following is an entry in ClinVar:

ClinVar aggregate classification (germline): Benign. Review status: criteria provided, multiple submitters, no conflicts (2 of 4 stars). 3 submissions from 3 submitters: Benign (2). 1 of the submissions does not count toward it. Last evaluated 2019-12-31.

Conditions:
MAP1B-related disorder. Also called: MAP1B-related condition.

Allele frequency attached by ClinVar (database versions not stated): gnomAD exomes 0.00047 and 0.00129; ExAC 0.00159; 1000 Genomes Project 0.00379; 1000 Genomes Project 30x 0.00390; gnomAD 0.00515 and 0.00558; TOPMed 0.00600; ESP Exome Variant Server 0.00623.
gnomAD v4.1: 1,502 of 1,613,740 alleles (0.093%); highest among the groups gnomAD compares: African/African-American, 1.8%; 21 homozygotes.

Submissions (3):

Labcorp Genetics (formerly Invitae), Labcorp
Classification: Benign. Last evaluated: 2019-12-31. Review status: criteria provided, single submitter. Criteria: Invitae Variant Classification Sherloc (09022015). Collection method: clinical testing. Allele origin: germline.

Breakthrough Genomics
Classification: Benign. Review status: criteria provided, single submitter. Criteria: ACMG Guidelines, 2015. Collection method: not provided. Allele origin: germline. Inheritance: Autosomal dominant inheritance. Affected: yes.

PreventionGenetics, part of Exact Sciences
Classification: Benign for MAP1B-related condition. Last evaluated: 2019-07-12. Review status: no assertion criteria provided. Collection method: clinical testing. Allele origin: germline. Not counted in ClinVar's aggregate classification.
Comment: This variant is classified as benign based on ACMG/AMP sequence variant interpretation guidelines (Richards et al. 2015 PMID: 25741868, with internal and published modifications).

NM_005909.5(MAP1B):c.1779A>G (p.Pro593=)

Gene: MAP1B (microtubule associated protein 1B; plus strand). Cytogenetic location: 5q13.2.
Variant type: single nucleotide variant.
Coding change: c.1779A>G on transcript NM_005909.5 (MANE Select); coding-DNA position 1779, A replaced by G.
Protein change: p.Pro593=; no amino-acid change (proline 593 retained).
Molecular consequence: synonymous variant.
Genome position (GRCh38, 1-based): chr5:72,195,134, A>G. VCF-style: chr5-72195134-A-G. GRCh37 (hg19) VCF-style: chr5-71490961-A-G.
Other names: c.1401A>G, p.Pro467= (NM_001324255.2).
Identifiers: ClinVar variation 789740 (VCV000789740.7), dbSNP rs61375284, ClinGen allele CA3298737.